The following is an entry in ClinVar:

NM_001615.4(ACTG2):c.614C>T (p.Ala205Val)

Gene: ACTG2 (actin gamma 2, smooth muscle; plus strand). Cytogenetic location: 2p13.1.
Variant type: single nucleotide variant.
Coding change: c.614C>T on transcript NM_001615.4 (MANE Select); coding-DNA position 614, C replaced by T.
Protein change: p.Ala205Val; replaces alanine 205 with valine.
Molecular consequence: missense variant.
Genome position (GRCh38, 1-based): chr2:73,914,680, C>T. VCF-style: chr2-73914680-C-T. GRCh37 (hg19) VCF-style: chr2-74141807-C-T.
Other names: c.485C>T, p.Ala162Val (NM_001199893.2); short protein forms A162V, A205V.
Identifiers: ClinVar variation 1708919 (VCV001708919.2), dbSNP rs1680222160, ClinGen allele CA347304097.
Genomic context (GRCh38, chr2:73,914,680, plus strand): 5'-ATGGGACAACCAAACTATCAGAGCTCAGTATTCACCTTCTGTCATTTCTGCTCCTTCCAG[C>T]TGAGAGAGAAATTGTGCGAGACATCAAGGAGAAGCTGTGCTATGTGGCCCTGGATTTTGA-3'
Protein context (NP_001606.1, residues 195-215): TERGYSFVTT[Ala205Val]EREIVRDIKE

ClinVar aggregate classification (germline): Uncertain significance (1 of 4 stars; one submission).

Submission:

GeneDx
Classification: Uncertain significance. Last evaluated: 2022-03-29. Review status: criteria provided, single submitter. Criteria: GeneDx Variant Classification Process June 2021. Collection method: clinical testing. Allele origin: germline. Affected: yes.
Comment: In silico analysis supports that this missense variant has a deleterious effect on protein structure/function; Not observed at significant frequency in large population cohorts (gnomAD); Has not been previously published as pathogenic or benign to our knowledge